The following is an entry in ClinVar:

NM_001048174.2(MUTYH):c.85A>T (p.Asn29Tyr)

Gene: MUTYH (mutY DNA glycosylase; minus strand). Cytogenetic location: 1p34.1.
Variant type: single nucleotide variant.
Coding change: c.85A>T on transcript NM_001048174.2 (MANE Select); coding-DNA position 85, A replaced by T.
Protein change: p.Asn29Tyr; replaces asparagine 29 with tyrosine.
Molecular consequence: missense variant. On other transcripts: 5 prime UTR variant (7), non-coding transcript variant (7).
Genome position (GRCh38, 1-based): chr1:45,334,421, T>A on the plus strand (A>T on the coding strand, the complement: MUTYH is on the minus strand). VCF-style: chr1-45334421-T-A. GRCh37 (hg19) VCF-style: chr1-45800093-T-A.
Other names: c.85A>T, p.Asn29Tyr (NM_001048171.2, NM_001048172.2, NM_001048173.2 and 15 more transcripts); c.127A>T, p.Asn43Tyr (NM_001128425.2, NM_001293190.2, NM_001407069.1 and 2 more transcripts); c.-128A>T (NM_001293192.2, NM_001293196.2, NM_001407091.1); c.-187A>T (NM_001350650.2); c.-123A>T (NM_001350651.2, NM_001407082.1); c.-72A>T (NM_001407075.1); c.103A>T, p.Asn35Tyr (NM_001407087.1); short protein forms N29Y, N35Y, N43Y.
Identifiers: ClinVar variation 4113147 (VCV004113147.1).

ClinVar aggregate classification (germline): Uncertain significance (1 of 4 stars; one submission).

Conditions:
Hereditary cancer-predisposing syndrome. Also called: Tumor predisposition; Neoplastic Syndromes, Hereditary; Hereditary neoplastic syndrome; Hereditary Cancer Syndrome. Identifiers: Orphanet 140162, MedGen C0027672, MeSH D009386, MONDO:0015356.

Submission:

Ambry Genetics
Classification: Uncertain significance for Hereditary cancer-predisposing syndrome. Last evaluated: 2025-08-27. Review status: criteria provided, single submitter. Criteria: Ambry Variant Classification Scheme 2023. Collection method: clinical testing. Allele origin: germline.
Comment: The p.N43Y variant (also known as c.127A>T), located in coding exon 2 of the MUTYH gene, results from an A to T substitution at nucleotide position 127. The asparagine at codon 43 is replaced by tyrosine, an amino acid with dissimilar properties. This amino acid position is conserved. In addition, this alteration is predicted to be tolerated by in silico analysis. Based on the available evidence, the clinical significance of this variant remains unclear.